The following is an entry in ClinVar:

NM_001042492.3(NF1):c.4395T>G (p.Asn1465Lys)

Gene: NF1 (neurofibromin 1; plus strand). Cytogenetic location: 17q11.2.
Variant type: single nucleotide variant.
Coding change: c.4395T>G on transcript NM_001042492.3 (MANE Select); coding-DNA position 4395, T replaced by G.
Protein change: p.Asn1465Lys; replaces asparagine 1465 with lysine.
Molecular consequence: missense variant.
Genome position (GRCh38, 1-based): chr17:31,259,094, T>G. VCF-style: chr17-31259094-T-G. GRCh37 (hg19) VCF-style: chr17-29586112-T-G.
Other names: c.4332T>G, p.Asn1444Lys (NM_000267.4); short protein forms N1444K, N1465K.
Identifiers: ClinVar variation 1739799 (VCV001739799.2), dbSNP rs2151463119, ClinGen allele CA398998895.

ClinVar aggregate classification (germline): Uncertain significance (1 of 4 stars; one submission).

Conditions:
Cardiovascular phenotype. Identifiers: MedGen CN230736.
Hereditary cancer-predisposing syndrome. Also called: Hereditary Cancer Syndrome; Hereditary neoplastic syndrome; Neoplastic Syndromes, Hereditary; Tumor predisposition. Identifiers: Orphanet 140162, MedGen C0027672, MeSH D009386, MONDO:0015356.

Submission:

Ambry Genetics
Classification: Uncertain significance for Cardiovascular phenotype; Hereditary cancer-predisposing syndrome. Last evaluated: 2022-01-30. Review status: criteria provided, single submitter. Criteria: Ambry Variant Classification Scheme 2023. Collection method: clinical testing. Allele origin: germline.
Comment: The p.N1444K variant (also known as c.4332T>G), located in coding exon 32 of the NF1 gene, results from a T to G substitution at nucleotide position 4332. The asparagine at codon 1444 is replaced by lysine, an amino acid with similar properties. This amino acid position is conserved. In addition, the in silico prediction for this alteration is inconclusive. Since supporting evidence is limited at this time, the clinical significance of this alteration remains unclear.